The following is an entry in ClinVar:

ClinVar aggregate classification (germline): Conflicting classifications of pathogenicity. Review status: criteria provided, conflicting classifications (1 of 4 stars). 3 submissions from 3 submitters: Uncertain significance (2); Likely benign (1). Last evaluated 2026-04-08.

Conditions:
Cardiovascular phenotype. Identifiers: MedGen CN230736.

Allele frequency attached by ClinVar (database versions not stated): TOPMed 0.00008; ExAC 0.00002; gnomAD exomes 0.00004; gnomAD 0.00006.
gnomAD v4.1: 63 of 1,612,620 alleles (0.0039%); highest among the groups gnomAD compares: African/African-American, 0.016%; no homozygotes.

Submissions (3):

Women's Health and Genetics/Laboratory Corporation of America, LabCorp
Classification: Uncertain significance. Last evaluated: 2026-04-08. Review status: criteria provided, single submitter. Criteria: LabCorp Variant Classification Summary - May 2015. Collection method: clinical testing. Allele origin: germline.
Comment: Variant summary: TNXB c.5186C>T (p.Thr1729Ile) results in a non-conservative amino acid change in the encoded protein sequence. Algorithms developed to predict the effect of missense changes on protein structure and function are either unavailable or do not agree on the potential impact of this missense change. The variant allele was found at a frequency of 4e-05 in 248312 control chromosomes. This frequency is not significantly higher than estimated for disease-causing variants in TNXB, allowing no conclusion about variant significance. To our knowledge, no occurrence of c.5186C>T in individuals affected with TNXB-related conditions and no experimental evidence demonstrating its impact on protein function have been reported. ClinVar contains an entry for this variant (Variation ID: 1310209). Based on the evidence outlined above, the variant was classified as uncertain significance.

Ambry Genetics
Classification: Likely benign for Cardiovascular phenotype. Last evaluated: 2024-11-09. Review status: criteria provided, single submitter. Criteria: Ambry Variant Classification Scheme 2023. Collection method: clinical testing. Allele origin: germline.

GeneDx
Classification: Uncertain significance. Last evaluated: 2019-12-02. Review status: criteria provided, single submitter. Criteria: GeneDx Variant Classification Process June 2021. Collection method: clinical testing. Allele origin: germline. Affected: yes.
Comment: In silico analysis, which includes protein predictors and evolutionary conservation, supports a deleterious effect; Has not been previously published as pathogenic or benign to our knowledge

NM_001365276.2(TNXB):c.5186C>T (p.Thr1729Ile)

Gene: TNXB (tenascin XB; minus strand). Cytogenetic location: 6p21.33.
Variant type: single nucleotide variant.
Coding change: c.5186C>T on transcript NM_001365276.2 (MANE Select); coding-DNA position 5186, C replaced by T.
Protein change: p.Thr1729Ile; replaces threonine 1729 with isoleucine.
Molecular consequence: missense variant.
Genome position (GRCh38, 1-based): chr6:32,070,219, G>A on the plus strand (C>T on the coding strand, the complement: TNXB is on the minus strand). VCF-style: chr6-32070219-G-A. GRCh37 (hg19) VCF-style: chr6-32037996-G-A.
Other names: c.5186C>T, p.Thr1729Ile (NM_019105.8); short protein forms T1729I.
Identifiers: ClinVar variation 1310209 (VCV001310209.4), dbSNP rs780774341, ClinGen allele CA3734773.